The following is an entry in ClinVar:

NM_001145026.2(PTPRQ):c.255G>A (p.Arg85=)

Gene: PTPRQ (protein tyrosine phosphatase receptor type Q; plus strand). Cytogenetic location: 12q21.31.
Variant type: single nucleotide variant.
Coding change: c.255G>A on transcript NM_001145026.2 (MANE Select); coding-DNA position 255, G replaced by A.
Protein change: p.Arg85=; no amino-acid change (arginine 85 retained).
Molecular consequence: synonymous variant.
Genome position (GRCh38, 1-based): chr12:80,445,582, G>A. VCF-style: chr12-80445582-G-A. GRCh37 (hg19) VCF-style: chr12-80839362-G-A.
Identifiers: ClinVar variation 513077 (VCV000513077.29), dbSNP rs184871373, ClinGen allele CA6702306.

ClinVar aggregate classification (germline): Likely benign. Review status: criteria provided, multiple submitters, no conflicts (2 of 4 stars). 4 submissions from 4 submitters: Likely benign (4). Last evaluated 2026-08-01.

Allele frequency attached by ClinVar (database versions not stated): gnomAD 0.00083 and 0.00081; gnomAD exomes 0.00090 and 0.00113; TOPMed 0.00090; ExAC 0.00037; 1000 Genomes Project 30x 0.00078; 1000 Genomes Project 0.00080.
gnomAD v4.1: 1,693 of 1,548,674 alleles (0.11%); highest among the groups gnomAD compares: Middle Eastern, 0.15%; 2 homozygotes.

Submissions (4):

CeGaT Center for Human Genetics Tuebingen
Classification: Likely benign. Last evaluated: 2026-08-01. Review status: criteria provided, single submitter. Criteria: CeGaT Center For Human Genetics Tuebingen Variant Classification Criteria Version 2. Collection method: clinical testing. Allele origin: germline. Affected: yes. Observed: 2 variant alleles.
Comment: PTPRQ: BP4, BP7

Blueprint Genetics
Classification: Likely benign. Last evaluated: 2024-10-31. Review status: criteria provided, single submitter. Criteria: ACMG Guidelines, 2015. Collection method: clinical testing. Allele origin: germline.

GeneDx
Classification: Likely benign. Last evaluated: 2021-04-23. Review status: criteria provided, single submitter. Criteria: GeneDx Variant Classification Process June 2021. Collection method: clinical testing. Allele origin: germline. Affected: yes.

Breakthrough Genomics
Classification: Likely benign. Review status: criteria provided, single submitter. Criteria: ACMG Guidelines, 2015. Collection method: not provided. Allele origin: germline. Inheritance: Autosomal recessive inheritance. Affected: yes.